The following is an entry in ClinVar:

NM_030632.3(ASXL3):c.2234G>C (p.Ser745Thr)

Gene: ASXL3 (ASXL transcriptional regulator 3; plus strand). Cytogenetic location: 18q12.1.
Variant type: single nucleotide variant.
Coding change: c.2234G>C on transcript NM_030632.3 (MANE Select); coding-DNA position 2234, G replaced by C.
Protein change: p.Ser745Thr; replaces serine 745 with threonine.
Molecular consequence: missense variant.
Genome position (GRCh38, 1-based): chr18:33,739,638, G>C. VCF-style: chr18-33739638-G-C. GRCh37 (hg19) VCF-style: chr18-31319602-G-C.
Other names: short protein forms S745T.
Identifiers: ClinVar variation 1712164 (VCV001712164.2), dbSNP rs2510919085, ClinGen allele CA402178542.

ClinVar aggregate classification (germline): Uncertain significance (1 of 4 stars; one submission).

gnomAD v4.1: 1 of 1,613,812 alleles (0.000062%); highest among the groups gnomAD compares: Non-Finnish European, 0.000085%; no homozygotes.

Submission:

GeneDx
Classification: Uncertain significance. Last evaluated: 2022-04-20. Review status: criteria provided, single submitter. Criteria: GeneDx Variant Classification Process June 2021. Collection method: clinical testing. Allele origin: germline. Affected: yes.
Comment: Not observed at significant frequency in large population cohorts (gnomAD); In silico analysis supports that this missense variant does not alter protein structure/function; Has not been previously published as pathogenic or benign to our knowledge